The following is an entry in ClinVar:

NM_001099274.3(TINF2):c.1285C>G (p.Leu429Val)

Gene: TINF2 (TERF1 interacting nuclear factor 2; minus strand). Cytogenetic location: 14q12.
Variant type: single nucleotide variant.
Coding change: c.1285C>G on transcript NM_001099274.3 (MANE Select); coding-DNA position 1285, C replaced by G.
Protein change: p.Leu429Val; replaces leucine 429 with valine.
Molecular consequence: missense variant. On other transcripts: 3 prime UTR variant (1).
Genome position (GRCh38, 1-based): chr14:24,239,868, G>C on the plus strand (C>G on the coding strand, the complement: TINF2 is on the minus strand). VCF-style: chr14-24239868-G-C. GRCh37 (hg19) VCF-style: chr14-24709074-G-C.
Other names: c.1180C>G, p.Leu394Val (NM_001363668.2); c.*547C>G (NM_012461.3); short protein forms L429V, L394V.
Identifiers: ClinVar variation 1366435 (VCV001366435.8), dbSNP rs780647966, ClinGen allele CA7130425.

ClinVar aggregate classification (germline): Uncertain significance. Review status: criteria provided, multiple submitters, no conflicts (2 of 4 stars). 2 submissions from 2 submitters: Uncertain significance (2). Last evaluated 2026-01-22.

Conditions:
Dyskeratosis congenita. Identifiers: Orphanet 1775, MedGen C0265965, MONDO:0015780.

Submissions (2):

Labcorp Genetics (formerly Invitae), Labcorp
Classification: Uncertain significance for Dyskeratosis congenita. Last evaluated: 2026-01-22. Review status: criteria provided, single submitter. Criteria: Invitae Variant Classification Sherloc (09022015). Collection method: clinical testing. Allele origin: germline.
Comment: This sequence change replaces leucine, which is neutral and non-polar, with valine, which is neutral and non-polar, at codon 429 of the TINF2 protein (p.Leu429Val). This variant is present in population databases (rs780647966, gnomAD 0.05%), and has an allele count higher than expected for a pathogenic variant. This variant has not been reported in the literature in individuals affected with TINF2-related conditions. ClinVar contains an entry for this variant (Variation ID: 1366435). An algorithm developed to predict the effect of missense changes on protein structure and function (PolyPhen-2) suggests that this variant is likely to be disruptive. In summary, the available evidence is currently insufficient to determine the role of this variant in disease. Therefore, it has been classified as a Variant of Uncertain Significance.

Sema4
Classification: Uncertain significance for Dyskeratosis congenita. Last evaluated: 2021-09-16. Review status: criteria provided, single submitter. Criteria: Sema4 Curation Guidelines. Collection method: curation. Allele origin: germline.
Comment: The TINF2 c.1285C>G (p.L429V) variant has not been reported in the literature to our knowledge. It was observed in 10/19538 chromosomes of the East Asian subpopulation, with no homozygotes, in the large and broad cohorts of the Genome Aggregation Database (PMID: 32461654), but has not been reported in ClinVar. Functional studies have not been performed, and in silico predictions of the variant's effect on protein function are inconclusive. The evidence is insufficient to meet ACMG/AMP criteria for classifying the variant as benign or pathogenic. Thus, the clinical significance of this variant is currently uncertain.